The following is an entry in ClinVar:

ClinVar aggregate classification (germline): Uncertain significance (1 of 4 stars; one submission).

gnomAD v4.1: 2 of 1,612,018 alleles (0.00012%); highest among the groups gnomAD compares: Non-Finnish European, 0.000085%; no homozygotes.

Submission:

GeneDx
Classification: Uncertain significance. Last evaluated: 2025-02-22. Review status: criteria provided, single submitter. Criteria: GeneDx Variant Classification Process June 2021. Collection method: clinical testing. Allele origin: germline. Affected: yes.
Comment: Not observed at significant frequency in large population cohorts (gnomAD); In silico analysis supports that this missense variant has a deleterious effect on protein structure/function; Has not been previously published as pathogenic or benign to our knowledge

NM_001378452.1(ITPR1):c.556C>T (p.Pro186Ser)

Gene: ITPR1 (inositol 1,4,5-trisphosphate receptor type 1; plus strand). Cytogenetic location: 3p26.1.
Variant type: single nucleotide variant.
Coding change: c.556C>T on transcript NM_001378452.1 (MANE Select); coding-DNA position 556, C replaced by T.
Protein change: p.Pro186Ser; replaces proline 186 with serine.
Molecular consequence: missense variant.
Genome position (GRCh38, 1-based): chr3:4,644,166, C>T. VCF-style: chr3-4644166-C-T. GRCh37 (hg19) VCF-style: chr3-4685850-C-T.
Other names: c.556C>T, p.Pro186Ser (NM_001099952.4, NM_001168272.2, NM_002222.7); short protein forms P186S.
Identifiers: ClinVar variation 4076938 (VCV004076938.1).
Genomic context (GRCh38, chr3:4,644,166, plus strand): 5'-GCAAAGCTCTATTGCTCCTTTCCATTCCAGGTGGTCATAGGTGACAAGGTGGTTCTGAAC[C>T]CCGTCAATGCTGGTCAGCCCCTACATGCTAGCAGCCATCAACTGGTAGATAACCCAGGCT-3'
Protein context (NP_001365381.1, residues 176-196): VVIGDKVVLN[Pro186Ser]VNAGQPLHAS